The following is an entry in ClinVar:

NM_024577.4(SH3TC2):c.1717dup (p.Ile573fs)

Gene: SH3TC2 (SH3 domain and tetratricopeptide repeats 2; minus strand). Cytogenetic location: 5q32.
Variant type: Duplication.
Coding change: c.1717dup on transcript NM_024577.4 (MANE Select); coding-DNA position 1717, one base duplicated (A; older notation c.1717dupA).
Protein change: p.Ile573fs; shifts the reading frame from isoleucine 573.
Molecular consequence: frameshift variant.
Genome position (GRCh38, 1-based): chr5:149,028,015, T duplicated on the plus strand (A on the coding strand, the reverse complement: SH3TC2 is on the minus strand). VCF-style (leftmost placement, unchanged base first): chr5-149028014-A-AT. GRCh37 (hg19) VCF-style: chr5-148407577-A-AT.
Other names: short protein forms I573fs.
Identifiers: ClinVar variation 2823415 (VCV002823415.3), dbSNP rs2531773397, ClinGen allele CA2739272734.

ClinVar aggregate classification (germline): Pathogenic (1 of 4 stars; one submission).

Conditions:
Charcot-Marie-Tooth disease type 4. Also called: Charcot-Marie-Tooth disease, type IV; Charcot-Marie-Tooth, Type 4. Identifiers: Orphanet 64749, MedGen C4082197, MONDO:0018995.

Submission:

Labcorp Genetics (formerly Invitae), Labcorp
Classification: Pathogenic for Charcot-Marie-Tooth disease type 4. Last evaluated: 2022-12-23. Review status: criteria provided, single submitter. Criteria: Invitae Variant Classification Sherloc (09022015). Collection method: clinical testing. Allele origin: germline.
Comment: This variant has not been reported in the literature in individuals affected with SH3TC2-related conditions. This variant is not present in population databases (gnomAD no frequency). This sequence change creates a premature translational stop signal (p.Ile573Asnfs*15) in the SH3TC2 gene. It is expected to result in an absent or disrupted protein product. Loss-of-function variants in SH3TC2 are known to be pathogenic (PMID: 20220177, 27068304). For these reasons, this variant has been classified as Pathogenic.

Literature cited by the submitters: PubMed 20220177; PubMed 27068304.